The following is an entry in ClinVar:

ClinVar aggregate classification (germline): Uncertain significance. Review status: criteria provided, multiple submitters, no conflicts (2 of 4 stars). 2 submissions from 2 submitters: Uncertain significance (2). Last evaluated 2025-05-28.

Allele frequency attached by ClinVar (database versions not stated): TOPMed below 0.00001; gnomAD exomes 0.00001.
gnomAD v4.1: 23 of 1,613,928 alleles (0.0014%); highest among the groups gnomAD compares: Non-Finnish European, 0.0016%; no homozygotes.

Submissions (2):

Ambry Genetics
Classification: Uncertain significance. Last evaluated: 2025-05-28. Review status: criteria provided, single submitter. Criteria: Ambry Variant Classification Scheme 2023. Collection method: clinical testing. Allele origin: germline.

Labcorp Genetics (formerly Invitae), Labcorp
Classification: Uncertain significance. Last evaluated: 2025-03-19. Review status: criteria provided, single submitter. Criteria: Invitae Variant Classification Sherloc (09022015). Collection method: clinical testing. Allele origin: germline.
Comment: This sequence change replaces phenylalanine, which is neutral and non-polar, with serine, which is neutral and polar, at codon 301 of the A2ML1 protein (p.Phe301Ser). This variant is present in population databases (no rsID available, gnomAD 0.0009%). This variant has not been reported in the literature in individuals affected with A2ML1-related conditions. ClinVar contains an entry for this variant (Variation ID: 2073250). An algorithm developed to predict the effect of missense changes on protein structure and function (PolyPhen-2) suggests that this variant is likely to be disruptive. In summary, the available evidence is currently insufficient to determine the role of this variant in disease. Therefore, it has been classified as a Variant of Uncertain Significance.

NM_144670.6(A2ML1):c.902T>C (p.Phe301Ser)

Gene: A2ML1 (alpha-2-macroglobulin like 1; plus strand). Cytogenetic location: 12p13.31.
Variant type: single nucleotide variant.
Coding change: c.902T>C on transcript NM_144670.6 (MANE Select); coding-DNA position 902, T replaced by C.
Protein change: p.Phe301Ser; replaces phenylalanine 301 with serine.
Molecular consequence: missense variant.
Genome position (GRCh38, 1-based): chr12:8,838,382, T>C. VCF-style: chr12-8838382-T-C. GRCh37 (hg19) VCF-style: chr12-8990978-T-C.
Other names: c.902T>C (NM_144670.3); short protein forms F301S.
Identifiers: ClinVar variation 2073250 (VCV002073250.6), dbSNP rs1380502225, ClinGen allele CA383823365.